The following is an entry in ClinVar:

NM_032043.3(BRIP1):c.2379+7C>T

Gene: BRIP1 (BRCA1 interacting DNA helicase 1; minus strand). Cytogenetic location: 17q23.2.
Variant type: single nucleotide variant.
Coding change: c.2379+7C>T on transcript NM_032043.3 (MANE Select); 7 bases into the intron after coding-DNA position 2379, C replaced by T.
Molecular consequence: intron variant.
Genome position (GRCh38, 1-based): chr17:61,743,006, G>A on the plus strand (C>T on the coding strand, the complement: BRIP1 is on the minus strand). VCF-style: chr17-61743006-G-A. GRCh37 (hg19) VCF-style: chr17-59820367-G-A.
Other names: p.?.
Identifiers: ClinVar variation 379014 (VCV000379014.18), dbSNP rs1057520464, ClinGen allele CA16607748.
Genomic context (GRCh38, chr17:61,743,006, plus strand): 5'-CTGCAATTAACTTTATACAAAACCAATGACTCCTGTAATAATAAAACTTAAGGTTTTGAT[G>A]GCCTACCTGTAGATCTTTCACATTTGGAAAAGGAATTCCTATTGTTATGACAGCACGGGC-3'

ClinVar aggregate classification (germline): Likely benign. Review status: criteria provided, multiple submitters, no conflicts (2 of 4 stars). 6 submissions from 6 submitters: Likely benign (6). Last evaluated 2025-12-08.

Conditions:
Hereditary cancer-predisposing syndrome. Also called: Hereditary neoplastic syndrome; Tumor predisposition; Neoplastic Syndromes, Hereditary; Hereditary Cancer Syndrome. Identifiers: Orphanet 140162, MedGen C0027672, MeSH D009386, MONDO:0015356.
Familial cancer of breast. Also called: Hereditary breast cancer; BREAST CANCER, FAMILIAL; hereditary breast carcinoma. Identifiers: Orphanet 227535, MedGen C0346153, MONDO:0016419, OMIM 114480. Disease mechanism: loss of function.
Fanconi anemia complementation group J. Also called: BRIP1-Related Fanconi Anemia. Identifiers: Orphanet 84, MedGen C1836860, MONDO:0012187, OMIM 609054.

Submissions (6):

Labcorp Genetics (formerly Invitae), Labcorp
Classification: Likely benign for Familial cancer of breast; Fanconi anemia complementation group J. Last evaluated: 2025-12-08. Review status: criteria provided, single submitter. Criteria: Invitae Variant Classification Sherloc (09022015). Collection method: clinical testing. Allele origin: germline.

Mayo Clinic Laboratories, Mayo Clinic
Classification: Likely benign. Last evaluated: 2025-02-11. Review status: criteria provided, single submitter. Criteria: ACMG Guidelines, 2015. Collection method: clinical testing. Allele origin: germline. Observed: 1 variant allele.
Comment: BP4, BP7

Myriad Genetics, Inc.
Classification: Likely benign for Familial cancer of breast. Last evaluated: 2024-09-04. Review status: criteria provided, single submitter. Criteria: Myriad Autosomal Dominant, Autosomal Recessive and X-Linked Classification Criteria (2023). Collection method: clinical testing. Allele origin: unknown.
Comment: This variant is considered likely benign. This variant is intronic and is not expected to impact mRNA splicing.

Mendelics
Classification: Likely benign for Familial cancer of breast. Last evaluated: 2019-05-28. Review status: criteria provided, single submitter. Criteria: Mendelics Assertion Criteria 2017. Collection method: clinical testing. Allele origin: unknown.

Color Diagnostics, LLC DBA Color Health
Classification: Likely benign for Hereditary cancer-predisposing syndrome. Last evaluated: 2017-09-26. Review status: criteria provided, single submitter. Criteria: ACMG Guidelines, 2015. Collection method: clinical testing. Allele origin: germline.

GeneDx
Classification: Likely benign. Last evaluated: 2016-07-11. Review status: criteria provided, single submitter. Criteria: GeneDx Variant Classification (06012015). Collection method: clinical testing. Allele origin: germline. Affected: yes.
Comment: This variant is considered likely benign or benign based on one or more of the following criteria: it is a conservative change, it occurs at a poorly conserved position in the protein, it is predicted to be benign by multiple in silico algorithms, and/or has population frequency not consistent with disease.